The following continues an entry in ClinVar:

NM_002878.4(RAD51D):c.556C>T (p.Arg186Ter)

ClinVar aggregate classification (germline): Pathogenic/Likely pathogenic. Pathogenic (21); Likely pathogenic (1).

Submissions 10 to 28 of 28:

Genomics and Molecular Medicine Service, East Genomic Laboratory Hub, NHS Genomic Medicine Service
Classification: Likely pathogenic for Inherited ovarian cancer (without breast cancer). Last evaluated: 2024-09-24. Review status: criteria provided, single submitter. Criteria: ACGS Best Practice Guidelines for Variant Classification in Rare Disease 2020. Collection method: clinical testing. Allele origin: germline. Affected: yes.
Comment: PVS1,PM5_Supporting

Baylor Genetics
Classification: Pathogenic for Breast-ovarian cancer, familial, susceptibility to, 4. Last evaluated: 2024-03-14. Review status: criteria provided, single submitter. Criteria: ACMG Guidelines, 2015. Collection method: clinical testing. Allele origin: unknown.

Quest Diagnostics Nichols Institute San Juan Capistrano
Classification: Pathogenic. Last evaluated: 2024-02-27. Review status: criteria provided, single submitter. Criteria: Quest Diagnostics criteria. Collection method: clinical testing. Allele origin: unknown.
Comment: The RAD51D c.556C>T (p.Arg186*) variant causes the premature termination of RAD51D protein synthesis. This variant has been reported in the published literature in individuals with ovarian cancer (PMID: 36544182 (2022), 35641994 (2022), 32068069 (2020), 26261251 (2015)), breast cancer (PMID: 32885271 (2021), 30980208 (2019), 30165555 (2018), 23372765 (2013)), prostate cancer (PMID: 32338768 (2020)) and osteosarcoma (PMID: 32191290 (2020)). The frequency of this variant in the general population, 0.00059 (6/10256 chromosomes (Genome Aggregation Database)), is consistent with pathogenicity. Based on the available information, this variant is classified as pathogenic.

GeneDx
Classification: Pathogenic. Last evaluated: 2023-09-13. Review status: criteria provided, single submitter. Criteria: GeneDx Variant Classification Process June 2021. Collection method: clinical testing. Allele origin: germline. Affected: yes.
Comment: Nonsense variant predicted to result in protein truncation or nonsense mediated decay in a gene for which loss of function is a known mechanism of disease; Not observed at significant frequency in large population cohorts (gnomAD); This variant is associated with the following publications: (PMID: 27273131, 32242007, 30165555, 32986223, 28888541, 21822267, 25445424, 19383352, 22415235, 26328243, 26261251, 27153395, 23372765, 29560538, 28724667, 28821472, 26057125, 28152038, 30111881, 28591191, 30980208, 26689913, 32068069, 32885271, 32338768, 32107557, 35641994, 33804961, 32191290, 36346689, 36544182, 36169650, 32359370, 33471991, 32295079)

Myriad Genetics, Inc.
Classification: Pathogenic for Breast-ovarian cancer, familial, susceptibility to, 4. Last evaluated: 2023-04-06. Review status: criteria provided, single submitter. Criteria: Myriad Autosomal Dominant, Autosomal Recessive and X-Linked Classification Criteria (2023). Collection method: clinical testing. Allele origin: unknown.
Comment: This variant is considered pathogenic. This variant creates a termination codon and is predicted to result in premature protein truncation.

Cancer Genomics Group, Japanese Foundation For Cancer Research
Classification: Pathogenic for Hereditary breast ovarian cancer syndrome. Last evaluated: 2023-03-27. Review status: criteria provided, single submitter. Criteria: ACMG Guidelines, 2015. Collection method: research. Allele origin: germline. Affected: no.

MGZ Medical Genetics Center
Classification: Pathogenic for Breast-ovarian cancer, familial, susceptibility to, 4. Last evaluated: 2022-03-08. Review status: criteria provided, single submitter. Criteria: ACMG Guidelines, 2015. Collection method: clinical testing. Allele origin: germline. Affected: yes. Observed: 1 variant allele.
Comment: ACMG criteria applied: PVS1, PS4_MOD, PM2_SUP

Sema4
Classification: Pathogenic for Hereditary cancer-predisposing syndrome. Last evaluated: 2022-03-02. Review status: criteria provided, single submitter. Criteria: Sema4 Curation Guidelines. Collection method: curation. Allele origin: germline.
Comment: The RAD51D c.556C>T (p.R186X) variant has been reported in heterozygosity in multiple individuals with breast, ovarian, or prostate cancer (PMID: 33471991, 21822267, 27153395, 30111881, 32068069, 32338768, 32107557). This variant was identified in one family, where it was found to segregate with the phenotype across 4 family members (PMID: 21822267). This nonsense variant creates a premature stop codon at residue 186 of the RAD51D protein. At this location, nonsense-mediated decay is predicted to occur, resulting in a loss of gene function. Loss of function variants in RAD51D are known to be pathogenic (PMID: 32107557). The variant was observed in 6/10256 chromosomes in the Ashkenazi Jewish population according to the Genome Aggregation Database (PMID: 32461654), and has been reported in ClinVar (Variation ID: 30285). Based on the current evidence available, this variant is interpreted as pathogenic.

Fulgent Genetics
Classification: Pathogenic for Breast-ovarian cancer, familial, susceptibility to, 4. Last evaluated: 2021-08-04. Review status: criteria provided, single submitter. Criteria: ACMG Guidelines, 2015. Collection method: clinical testing. Allele origin: unknown.

Blueprint Genetics
Classification: Pathogenic for RAD51D-related disorders. Last evaluated: 2020-03-26. Review status: criteria provided, single submitter. Criteria: ACMG Guidelines, 2015. Collection method: clinical testing. Allele origin: germline. Affected: yes. Observed: 1 variant allele.

CeGaT Center for Human Genetics Tuebingen
Classification: Pathogenic. Last evaluated: 2019-12-01. Review status: criteria provided, single submitter. Criteria: CeGaT Center For Human Genetics Tuebingen Variant Classification Criteria Version 2. Collection method: clinical testing. Allele origin: germline. Affected: yes. Observed: 1 variant allele.

Revvity Omics, Revvity
Classification: Pathogenic. Last evaluated: 2019-07-30. Review status: criteria provided, single submitter. Criteria: ACMG Guidelines, 2015. Collection method: clinical testing. Allele origin: germline.

Mendelics
Classification: Pathogenic for Breast-ovarian cancer, familial, susceptibility to, 4. Last evaluated: 2019-05-28. Review status: criteria provided, single submitter. Criteria: Mendelics Assertion Criteria 2017. Collection method: clinical testing. Allele origin: unknown.

CZECANCA consortium
Classification: Pathogenic for Breast and/or ovarian cancer. Last evaluated: 2019-06-11. Review status: no assertion criteria provided. Collection method: clinical testing. Allele origin: germline. Affected: yes. Observed: 3 variant alleles. Not counted in ClinVar's aggregate classification.

Counsyl
Classification: Pathogenic for Breast-ovarian cancer, familial, susceptibility to, 4. Last evaluated: 2016-06-09. Review status: no assertion criteria provided. Collection method: clinical testing. Allele origin: unknown. Not counted in ClinVar's aggregate classification.

OMIM
Classification: risk factor for BREAST-OVARIAN CANCER, FAMILIAL, SUSCEPTIBILITY TO, 4. Last evaluated: 2011-08-07. Review status: no assertion criteria provided. Collection method: literature only. Allele origin: germline. Not counted in ClinVar's aggregate classification.

China-NCC-Department of Gynecologic Oncology, Cancer Hospital, Chinese Academy of Medical Sciences and Peking Union Medical College
Classification: Pathogenic for Ovarian neoplasm. Review status: no assertion criteria provided. Collection method: clinical testing. Allele origin: germline. Inheritance: Autosomal dominant inheritance. Affected: yes. Not counted in ClinVar's aggregate classification.

Department of Pathology and Laboratory Medicine, Sinai Health System
Classification: Pathogenic for Breast-ovarian cancer, familial, susceptibility to, 4. Review status: no assertion criteria provided. Collection method: clinical testing. Allele origin: unknown. Affected: yes. Study: The Canadian Open Genetics Repository (COGR). Not counted in ClinVar's aggregate classification.
Comment: The RAD51D p.Arg186X variant was identified in 7 of 15516 proband chromosomes (frequency: 0.00045) from individuals or families with breast and/or ovarian cancer or at high risk of ovarian cancer and was not identified in 7744 control chromosomes from healthy individuals (Loveday 2011, Song 20015, Thompson 2013, Keen-Kim 2017, Osher 2012). The variant was also identified in dbSNP (ID: rs387906843) as â€šÃ„ÃºWith Pathogenic alleleâ€šÃ„Ã¹, ClinVar (classified 5x as pathogenic by Ambry Genetics, Invitae, Counsyl, Color Genomics and GeneDx; classified as risk factor by OMIM), Clinvitae (same references as ClinVar), databases. The variant was not identified in the COSMIC database. The variant was identified in control databases in 8 of 275060 chromosomes at a frequency of 0.00003 in the following populations: Ashkenazi Jewish in 4 of 10036 chromosomes (freq. 0.0004); European non-Finnish in 4 of 125824 chromosomes (freq. 0.00003), increasing the likelihood that this may be a low frequency variant in certain populations of origin (Genome Aggregation Consortium Feb 27, 2017). This variant was identified in 2 Canadian individuals with ovarian cancer from the same family, both of whom demonstrated loss of wild-type allele in DNA extracted from tumour cells (Osher 2012). In a 3-generation pedigree segregating ovarian cancer and breast cancer this variant was found in 4 members of the same family (Loveday 2011). Loss of function variants of the RAD51D gene are an established mechanism of disease in breast and ovarian cancer and is the type of variant expected to cause the disorder. In summary, based on the above information this variant meets our laboratoryâ€šÃ„Ã´s criteria to be classified as pathogenic.

Department of Pathology and Laboratory Medicine, Sinai Health System
Classification: Pathogenic for Malignant tumor of breast. Review status: no assertion criteria provided. Collection method: clinical testing. Allele origin: unknown. Affected: yes. Study: The Canadian Open Genetics Repository (COGR). Not counted in ClinVar's aggregate classification.
Comment: the same text as in the submission from Department of Pathology and Laboratory Medicine, Sinai Health System above.

Literature cited by the submitters: PubMed 21822267 (cited by 8 submitters); PubMed 22415235 (cited by 4 submitters); PubMed 23372765 (cited by 4 submitters); PubMed 25445424 (cited by 4 submitters); PubMed 26261251 (cited by 4 submitters); PubMed 27153395 (cited by 4 submitters); PubMed 27273131 (cited by 3 submitters); PubMed 28821472 (cited by 3 submitters); PubMed 32068069 (cited by 3 submitters); PubMed 32359370 (cited by Color Diagnostics, LLC DBA Color Health and Ambry Genetics); PubMed 33471991 (cited by 4 submitters); PubMed 35641994 (cited by Color Diagnostics, LLC DBA Color Health and Quest Diagnostics Nichols Institute San Juan Capistrano); PubMed 36165864 (cited by Color Diagnostics, LLC DBA Color Health); PubMed 36544182 (cited by Color Diagnostics, LLC DBA Color Health and Quest Diagnostics Nichols Institute San Juan Capistrano); PubMed 26057125 (cited by Women's Health and Genetics/Laboratory Corporation of America, LabCorp); PubMed 28724667 (cited by Ambry Genetics and Quest Diagnostics Nichols Institute San Juan Capistrano); PubMed 30111881 (cited by 3 submitters); PubMed 30165555 (cited by Ambry Genetics and Quest Diagnostics Nichols Institute San Juan Capistrano); PubMed 30980208 (cited by Ambry Genetics and Quest Diagnostics Nichols Institute San Juan Capistrano); PubMed 32242007 (cited by Ambry Genetics); PubMed 32338768 (cited by 3 submitters); PubMed 32885271 (cited by Ambry Genetics and Quest Diagnostics Nichols Institute San Juan Capistrano); PubMed 32107557 (cited by Quest Diagnostics Nichols Institute San Juan Capistrano and Sema4); PubMed 32191290 (cited by Quest Diagnostics Nichols Institute San Juan Capistrano); PubMed 32295079 (cited by CZECANCA consortium).